The following is an entry in ClinVar:

ClinVar aggregate classification (germline): Uncertain significance. Review status: criteria provided, multiple submitters, no conflicts (2 of 4 stars). 2 submissions from 2 submitters: Uncertain significance (2). Last evaluated 2022-02-14.

Conditions:
Idiopathic Pulmonary Fibrosis. Also called: Idiopathic fibrosing alveolitis, chronic form; idiopathic fibrosing alveolitis. Identifiers: Orphanet 2032, MedGen C1800706, MeSH D054990, MONDO:0800504.
Dyskeratosis congenita, autosomal dominant 2. Identifiers: MedGen C3151443, MONDO:0013521, OMIM 613989.
Dyskeratosis congenita. Identifiers: Orphanet 1775, MedGen C0265965, MONDO:0015780.

gnomAD v4.1: 1 of 1,548,514 alleles (0.000065%); highest among the groups gnomAD compares: African/African-American, 0.0014%; no homozygotes.

Submissions (2):

Ambry Genetics
Classification: Uncertain significance for Dyskeratosis congenita. Last evaluated: 2022-02-14. Review status: criteria provided, single submitter. Criteria: Ambry Variant Classification Scheme 2023. Collection method: clinical testing. Allele origin: germline.
Comment: The p.D444E variant (also known as c.1332C>A), located in coding exon 2 of the TERT gene, results from a C to A substitution at nucleotide position 1332. The aspartic acid at codon 444 is replaced by glutamic acid, an amino acid with highly similar properties. This amino acid position is conserved. In addition, this alteration is predicted to be tolerated by in silico analysis. Since supporting evidence is limited at this time, the clinical significance of this alteration remains unclear.

Labcorp Genetics (formerly Invitae), Labcorp
Classification: Uncertain significance for Dyskeratosis congenita, autosomal dominant 2; Idiopathic Pulmonary Fibrosis. Last evaluated: 2021-08-31. Review status: criteria provided, single submitter. Criteria: Invitae Variant Classification Sherloc (09022015). Collection method: clinical testing. Allele origin: germline.
Comment: This sequence change replaces aspartic acid with glutamic acid at codon 444 of the TERT protein (p.Asp444Glu). The aspartic acid residue is weakly conserved and there is a small physicochemical difference between aspartic acid and glutamic acid. The frequency data for this variant in the population databases is considered unreliable, as metrics indicate insufficient coverage at this position in the ExAC database. This variant has not been reported in the literature in individuals affected with TERT-related conditions. Algorithms developed to predict the effect of missense changes on protein structure and function (SIFT, PolyPhen-2, Align-GVGD) all suggest that this variant is likely to be tolerated. In summary, the available evidence is currently insufficient to determine the role of this variant in disease. Therefore, it has been classified as a Variant of Uncertain Significance.

NM_198253.3(TERT):c.1332C>A (p.Asp444Glu)

Gene: TERT (telomerase reverse transcriptase; minus strand). Cytogenetic location: 5p15.33.
Variant type: single nucleotide variant.
Coding change: c.1332C>A on transcript NM_198253.3 (MANE Select); coding-DNA position 1332, C replaced by A.
Protein change: p.Asp444Glu; replaces aspartic acid 444 with glutamic acid.
Molecular consequence: missense variant. On other transcripts: non-coding transcript variant (2).
Genome position (GRCh38, 1-based): chr5:1,293,554, G>T on the plus strand (C>A on the coding strand, the complement: TERT is on the minus strand). VCF-style: chr5-1293554-G-T. GRCh37 (hg19) VCF-style: chr5-1293669-G-T.
Other names: c.1332C>A, p.Asp444Glu (NM_001193376.3); short protein forms D444E.
Identifiers: ClinVar variation 1000398 (VCV001000398.8), dbSNP rs748983668, ClinGen allele CA359086144.